The following is an entry in ClinVar:

ClinVar aggregate classification (germline): Uncertain significance. Review status: criteria provided, multiple submitters, no conflicts (2 of 4 stars). 3 submissions from 3 submitters: Uncertain significance (3). Last evaluated 2026-03-29.

Conditions:
Inborn genetic diseases. Identifiers: MedGen C0950123, MeSH D030342.
DNAH9-related disorder. Also called: DNAH9-related condition.

Allele frequency attached by ClinVar (database versions not stated): gnomAD 0.00003; ExAC 0.00008.
gnomAD v4.1: 101 of 1,612,926 alleles (0.0063%); highest among the groups gnomAD compares: South Asian, 0.013%; no homozygotes.

Submissions (3):

PreventionGenetics, part of Exact Sciences
Classification: Uncertain significance for DNAH9-related condition. Last evaluated: 2026-03-29. Review status: criteria provided, single submitter. Criteria: ACMG Guidelines, 2015. Collection method: clinical testing. Allele origin: germline.
Comment: The DNAH9 c.2362G>A variant is predicted to result in the amino acid substitution p.Asp788Asn. To our knowledge, this variant has not been reported in the literature. This variant is reported in 0.096% of alleles in individuals of Ashkenazi Jewish descent in gnomAD. At this time, the clinical significance of this variant is uncertain due to the absence of conclusive functional and genetic evidence.

Ambry Genetics
Classification: Uncertain significance for Inborn genetic diseases. Last evaluated: 2024-10-01. Review status: criteria provided, single submitter. Criteria: Ambry Variant Classification Scheme 2023. Collection method: clinical testing. Allele origin: germline.

Labcorp Genetics (formerly Invitae), Labcorp
Classification: Uncertain significance. Last evaluated: 2022-02-28. Review status: criteria provided, single submitter. Criteria: Invitae Variant Classification Sherloc (09022015). Collection method: clinical testing. Allele origin: germline.
Comment: In summary, the available evidence is currently insufficient to determine the role of this variant in disease. Therefore, it has been classified as a Variant of Uncertain Significance. Algorithms developed to predict the effect of missense changes on protein structure and function are either unavailable or do not agree on the potential impact of this missense change (SIFT: "Deleterious"; PolyPhen-2: "Benign"; Align-GVGD: "Class C0"). This variant has not been reported in the literature in individuals affected with DNAH9-related conditions. This variant is present in population databases (rs774162630, gnomAD 0.1%). This sequence change replaces aspartic acid, which is acidic and polar, with asparagine, which is neutral and polar, at codon 788 of the DNAH9 protein (p.Asp788Asn).

NM_001372.4(DNAH9):c.2362G>A (p.Asp788Asn)

Gene: DNAH9 (dynein axonemal heavy chain 9; plus strand). Cytogenetic location: 17p12.
Variant type: single nucleotide variant.
Coding change: c.2362G>A on transcript NM_001372.4 (MANE Select); coding-DNA position 2362, G replaced by A.
Protein change: p.Asp788Asn; replaces aspartic acid 788 with asparagine.
Molecular consequence: missense variant.
Genome position (GRCh38, 1-based): chr17:11,652,769, G>A. VCF-style: chr17-11652769-G-A. GRCh37 (hg19) VCF-style: chr17-11556086-G-A.
Other names: c.2362G>A (NM_001372.3); short protein forms D788N.
Identifiers: ClinVar variation 2190316 (VCV002190316.4), dbSNP rs774162630, ClinGen allele CA8395164.